The following is an entry in ClinVar:

NM_001267550.2(TTN):c.8366G>C (p.Arg2789Thr)

Gene: TTN (titin; minus strand). Cytogenetic location: 2q31.2.
Variant type: single nucleotide variant.
Coding change: c.8366G>C on transcript NM_001267550.2 (MANE Select); coding-DNA position 8366, G replaced by C.
Protein change: p.Arg2789Thr; replaces arginine 2789 with threonine.
Molecular consequence: missense variant.
Genome position (GRCh38, 1-based): chr2:178,770,426, C>G on the plus strand (G>C on the coding strand, the complement: TTN is on the minus strand). VCF-style: chr2-178770426-C-G. GRCh37 (hg19) VCF-style: chr2-179635153-C-G.
Other names: c.8366G>C, p.Arg2789Thr (NM_001256850.1, NM_133378.4, NM_133379.5); c.8228G>C, p.Arg2743Thr (NM_003319.4, NM_133432.3, NM_133437.4); short protein forms R2743T, R2789T.
Identifiers: ClinVar variation 3766951 (VCV003766951.1).

ClinVar aggregate classification (germline): Uncertain significance (1 of 4 stars; one submission).

gnomAD v4.1: 5 of 1,614,188 alleles (0.00031%); highest among the groups gnomAD compares: Non-Finnish European, 0.00042%; no homozygotes.

Submission:

ARUP Laboratories, Molecular Genetics and Genomics, ARUP Laboratories
Classification: Uncertain significance. Last evaluated: 2024-01-10. Review status: criteria provided, single submitter. Criteria: ARUP Molecular Germline Variant Investigation Process 2024. Collection method: clinical testing. Allele origin: germline.
Comment: The TTN c.8366G>C; p.Arg2789Thr variant is rare in the general population (<0.2% allele frequency in the Genome Aggregation Database) and has not been reported in the medical literature in association with dilated cardiomyopathy (DCM) or other TTN-related disease. The clinical relevance of rare missense variants in this gene, which are identified on average once per individual sequenced in affected populations (Herman 2012), is not well understood. Yet, evidence suggests that the vast majority of such missense variants do not contribute to the clinical outcome of DCM (Begay 2015). Thus, the clinical significance of the p.Arg2789Thr variant cannot be determined with certainty. Begay RL et al. Role of Titin Missense Variants in Dilated Cardiomyopathy. J Am Heart Assoc. 2015 Nov 13;4(11). PMID: 26567375. Herman DS et al. Truncations of titin causing dilated cardiomyopathy. N Engl J Med. 2012 Feb 16;366(7):619-28. PMID: 22335739. Linke WA and Hamdani N. Gigantic business: titin properties and function through thick and thin. Circ Res 2014; 114(6): 1052-1068. PMID: 24625729.